The following is an entry in ClinVar:

ClinVar aggregate classification (germline): Uncertain significance (1 of 4 stars; one submission).

gnomAD v4.1: 26 of 1,588,156 alleles (0.0016%); highest among the groups gnomAD compares: Admixed American, 0.034%; no homozygotes.

Submission:

Labcorp Genetics (formerly Invitae), Labcorp
Classification: Uncertain significance. Last evaluated: 2025-03-31. Review status: criteria provided, single submitter. Criteria: Invitae Variant Classification Sherloc (09022015). Collection method: clinical testing. Allele origin: germline.
Comment: This sequence change replaces proline, which is neutral and non-polar, with leucine, which is neutral and non-polar, at codon 88 of the ADCY1 protein (p.Pro88Leu). This variant is present in population databases (rs770682134, gnomAD 0.02%). This variant has not been reported in the literature in individuals affected with ADCY1-related conditions. Invitae Evidence Modeling of protein sequence and biophysical properties (such as structural, functional, and spatial information, amino acid conservation, physicochemical variation, residue mobility, and thermodynamic stability) indicates that this missense variant is not expected to disrupt ADCY1 protein function with a negative predictive value of 80%. In summary, the available evidence is currently insufficient to determine the role of this variant in disease. Therefore, it has been classified as a Variant of Uncertain Significance.

NM_021116.4(ADCY1):c.263C>T (p.Pro88Leu)

Genes: ADCY1 (adenylate cyclase 1; plus strand), LOC129998402 (ATAC-STARR-seq lymphoblastoid silent region 18165; plus strand). Cytogenetic location: 7p12.3.
Variant type: single nucleotide variant.
Coding change: c.263C>T on transcript NM_021116.4 (MANE Select); coding-DNA position 263, C replaced by T.
Protein change: p.Pro88Leu; replaces proline 88 with leucine.
Molecular consequence: missense variant. On other transcripts: intron variant (1).
Genome position (GRCh38, 1-based): chr7:45,574,806, C>T. VCF-style: chr7-45574806-C-T. GRCh37 (hg19) VCF-style: chr7-45614405-C-T.
Other names: c.-330-83C>T (NM_001281768.2); short protein forms P88L.
Identifiers: ClinVar variation 3619753 (VCV003619753.2).